The following is an entry in ClinVar:

ClinVar aggregate classification (germline): Likely benign (1 of 4 stars; one submission).

Allele frequency attached by ClinVar (database versions not stated): gnomAD exomes 0.00002; gnomAD 0.00003; TOPMed 0.00003; ESP Exome Variant Server 0.00008; ExAC 0.00003.
gnomAD v4.1: 25 of 1,610,858 alleles (0.0016%); highest among the groups gnomAD compares: Non-Finnish European, 0.002%; no homozygotes.

Submission:

GeneDx
Classification: Likely benign. Last evaluated: 2016-10-24. Review status: criteria provided, single submitter. Criteria: GeneDx Variant Classification (06012015). Collection method: clinical testing. Allele origin: germline. Affected: yes.
Comment: This variant is considered likely benign or benign based on one or more of the following criteria: it is a conservative change, it occurs at a poorly conserved position in the protein, it is predicted to be benign by multiple in silico algorithms, and/or has population frequency not consistent with disease.

NM_016042.4(EXOSC3):c.627-3C>T

Gene: EXOSC3 (exosome component 3; minus strand). Cytogenetic location: 9p13.2.
Variant type: single nucleotide variant.
Coding change: c.627-3C>T on transcript NM_016042.4 (MANE Select); 3 bases into the intron before coding-DNA position 627, C replaced by T.
Molecular consequence: intron variant.
Genome position (GRCh38, 1-based): chr9:37,780,883, G>A on the plus strand (C>T on the coding strand, the complement: EXOSC3 is on the minus strand). VCF-style: chr9-37780883-G-A. GRCh37 (hg19) VCF-style: chr9-37780880-G-A.
Other names: c.475-3C>T (NM_001002269.2).
Identifiers: ClinVar variation 390323 (VCV000390323.1), dbSNP rs371714629, ClinGen allele CA5062691.
Genomic context (GRCh38, chr9:37,780,883, plus strand): 5'-CTCCAGTGGATAGAGTTTTCCCACTTCCTGTATGATTTCACAATCTGGAGCTAATAGCCT[G>A]GTGGGAAGAGAAAAGAAAATGAAATTTAATGAAGTGGCAAAGGTGTGTCCGGAGTCTCCT-3'